The following is an entry in ClinVar:

ClinVar aggregate classification (germline): Likely benign (1 of 4 stars; one submission).

Conditions:
Familial colorectal cancer type X. Identifiers: Orphanet 440437, MedGen C3896578, MONDO:0018604.

Submission:

Myriad Genetics, Inc.
Classification: Likely benign for Familial colorectal cancer type X. Last evaluated: 2026-07-31. Review status: criteria provided, single submitter. Criteria: Myriad Autosomal Dominant, Autosomal Recessive and X-Linked Classification Criteria (2023). Collection method: clinical testing. Allele origin: unknown.
Comment: This variant is considered likely benign. This variant is intronic and is not expected to impact mRNA splicing.

NM_001023.4(RPS20):c.104-11A>G

Gene: RPS20 (ribosomal protein S20; minus strand). Cytogenetic location: 8q12.1.
Variant type: single nucleotide variant.
Coding change: c.104-11A>G on transcript NM_001023.4 (MANE Select); 11 bases into the intron before coding-DNA position 104, A replaced by G.
Molecular consequence: intron variant.
Genome position (GRCh38, 1-based): chr8:56,073,779, T>C on the plus strand (A>G on the coding strand, the complement: RPS20 is on the minus strand). VCF-style: chr8-56073779-T-C. GRCh37 (hg19) VCF-style: chr8-56986338-T-C.
Other names: c.104-11A>G (NM_001146227.3).
Identifiers: ClinVar variation 5042449 (VCV005042449.1).